The following is an entry in ClinVar:

NM_033453.4(ITPA):c.41del (p.Thr14fs)

Gene: ITPA (inosine triphosphatase; plus strand). Cytogenetic location: 20p13.
Variant type: Deletion.
Coding change: c.41del on transcript NM_033453.4 (MANE Select); coding-DNA position 41, one base deleted (C; older notation c.41delC).
Protein change: p.Thr14fs; shifts the reading frame from threonine 14.
Molecular consequence: frameshift variant. On other transcripts: 5 prime UTR variant (1), non-coding transcript variant (1), intron variant (5).
Genome position (GRCh38, 1-based): chr20:3,209,592, C deleted. VCF-style (leftmost placement, unchanged base first): chr20-3209591-AC-A. GRCh37 (hg19) VCF-style: chr20-3190237-AC-A.
Other names: c.41del, p.Thr14fs (NM_001267623.2, NM_001324240.2, NM_001424408.1); c.-300del (NM_001324236.2); c.192+880del (NM_001424409.1); c.-272+559del (NM_001324237.2); c.-275+559del (NM_001324238.2); c.15+26del (NM_181493.4); c.-275+57del (NM_001351739.2); short protein forms T14fs.
Identifiers: ClinVar variation 3775566 (VCV003775566.1).

ClinVar aggregate classification (germline): Pathogenic (1 of 4 stars; one submission).

Conditions:
Developmental and epileptic encephalopathy, 35 (DEE35). Also called: Epileptic encephalopathy, early infantile, 35. Identifiers: Orphanet 457375, MedGen C4225256, MONDO:0014719, OMIM 616647.

Submission:

3billion
Classification: Pathogenic for Developmental and epileptic encephalopathy, 35. Last evaluated: 2023-12-04. Review status: criteria provided, single submitter. Criteria: ACMG Guidelines, 2015. Collection method: clinical testing. Allele origin: germline. Affected: yes.
Comment: The variant is not observed in the gnomAD v2.1.1 dataset. Predicted Consequence/Location: Frameshift: predicted to result in a loss or disruption of normal protein function through nonsense-mediated decay (NMD) or protein truncation. Multiple pathogenic variants are reported downstream of the variant. In silico tools predict the variant to alter splicing and produce an abnormal transcript [Splice AI: 0.55 (spliceogenicity >=0.2, non-spliceogenicity <0.1)]. Therefore, this variant is classified as Pathogenic according to the recommendation of ACMG/AMP guideline.